The following is an entry in ClinVar:

NM_005883.3(APC2):c.489C>T (p.Ser163=)

Gene: APC2 (APC regulator of Wnt signaling pathway 2; plus strand). Cytogenetic location: 19p13.3.
Variant type: single nucleotide variant.
Coding change: c.489C>T on transcript NM_005883.3 (MANE Select); coding-DNA position 489, C replaced by T.
Protein change: p.Ser163=; no amino-acid change (serine 163 retained).
Molecular consequence: synonymous variant.
Genome position (GRCh38, 1-based): chr19:1,455,224, C>T. VCF-style: chr19-1455224-C-T. GRCh37 (hg19) VCF-style: chr19-1455223-C-T.
Other names: c.489C>T, p.Ser163= (NM_001351273.1).
Identifiers: ClinVar variation 2418264 (VCV002418264.14), dbSNP rs750899180, ClinGen allele CA9044752.

ClinVar aggregate classification (germline): Likely benign. Review status: criteria provided, multiple submitters, no conflicts (2 of 4 stars). 2 submissions from 2 submitters: Likely benign (2). Last evaluated 2025-03-01.

Allele frequency attached by ClinVar (database versions not stated): gnomAD exomes 0.00001; ExAC 0.00004.
gnomAD v4.1: 14 of 1,582,066 alleles (0.00088%); highest among the groups gnomAD compares: Non-Finnish European, 0.0012%; no homozygotes.

Submissions (2):

CeGaT Center for Human Genetics Tuebingen
Classification: Likely benign. Last evaluated: 2025-03-01. Review status: criteria provided, single submitter. Criteria: CeGaT Center For Human Genetics Tuebingen Variant Classification Criteria Version 2. Collection method: clinical testing. Allele origin: germline. Affected: yes. Observed: 1 variant allele.
Comment: APC2: BP4, BP7

Labcorp Genetics (formerly Invitae), Labcorp
Classification: Likely benign. Last evaluated: 2024-10-15. Review status: criteria provided, single submitter. Criteria: Invitae Variant Classification Sherloc (09022015). Collection method: clinical testing. Allele origin: germline.